The following is an entry in ClinVar:

NM_001136191.3(KANK2):c.350G>A (p.Arg117His)

Gene: KANK2 (KN motif and ankyrin repeat domains 2; minus strand). Cytogenetic location: 19p13.2.
Variant type: single nucleotide variant.
Coding change: c.350G>A on transcript NM_001136191.3 (MANE Select); coding-DNA position 350, G replaced by A.
Protein change: p.Arg117His; replaces arginine 117 with histidine.
Molecular consequence: missense variant.
Genome position (GRCh38, 1-based): chr19:11,193,730, C>T on the plus strand (G>A on the coding strand, the complement: KANK2 is on the minus strand). VCF-style: chr19-11193730-C-T. GRCh37 (hg19) VCF-style: chr19-11304406-C-T.
Other names: c.350G>A, p.Arg117His (NM_001329451.2, NM_001379548.1, NM_001379549.1 and 15 more transcripts); c.350G>A (NM_015493.6); short protein forms R117H.
Identifiers: ClinVar variation 3711896 (VCV003711896.3).
Genomic context (GRCh38, chr19:11,193,730, plus strand): 5'-TCCTCGAGACGGCGACGGGCATCCAGCAGCGTGCGCTCCACCCGCGGATTGAAGCCACCG[C>T]GGGTCTCCAGAGCACCATACTGAGGGTAGAAGCCACGGCCGCAGTAGGAATAGGCTGAGT-3'
Protein context (NP_001129663.1, residues 107-127): FYPQYGALET[Arg117His]GGFNPRVERT

ClinVar aggregate classification (germline): Uncertain significance. Review status: criteria provided, multiple submitters, no conflicts (2 of 4 stars). 2 submissions from 2 submitters: Uncertain significance (2). Last evaluated 2025-08-29.

gnomAD v4.1: 51 of 1,612,408 alleles (0.0032%); highest among the groups gnomAD compares: Middle Eastern, 0.016%; no homozygotes.

Submissions (2):

Ambry Genetics
Classification: Uncertain significance. Last evaluated: 2025-08-29. Review status: criteria provided, single submitter. Criteria: Ambry Variant Classification Scheme 2023. Collection method: clinical testing. Allele origin: germline.

Labcorp Genetics (formerly Invitae), Labcorp
Classification: Uncertain significance. Last evaluated: 2024-06-10. Review status: criteria provided, single submitter. Criteria: Invitae Variant Classification Sherloc (09022015). Collection method: clinical testing. Allele origin: germline.
Comment: This sequence change replaces arginine, which is basic and polar, with histidine, which is basic and polar, at codon 117 of the KANK2 protein (p.Arg117His). This variant is present in population databases (rs574295288, gnomAD 0.02%). This variant has not been reported in the literature in individuals affected with KANK2-related conditions. An algorithm developed to predict the effect of missense changes on protein structure and function (PolyPhen-2) suggests that this variant is likely to be disruptive. In summary, the available evidence is currently insufficient to determine the role of this variant in disease. Therefore, it has been classified as a Variant of Uncertain Significance.